The following is an entry in ClinVar:

ClinVar aggregate classification (germline): Uncertain significance (1 of 4 stars; one submission).

Submission:

GeneDx
Classification: Uncertain significance. Last evaluated: 2025-07-10. Review status: criteria provided, single submitter. Criteria: GeneDx Variant Classification Process June 2021. Collection method: clinical testing. Allele origin: germline. Affected: yes.
Comment: Not observed at significant frequency in large population cohorts (gnomAD); In silico analysis suggests that this missense variant does not alter protein structure/function; Has not been previously published as pathogenic or benign to our knowledge

NM_016312.3(WBP11):c.1298G>T (p.Gly433Val)

Gene: WBP11 (WW domain binding protein 11; minus strand). Cytogenetic location: 12p12.3.
Variant type: single nucleotide variant.
Coding change: c.1298G>T on transcript NM_016312.3 (MANE Select); coding-DNA position 1298, G replaced by T.
Protein change: p.Gly433Val; replaces glycine 433 with valine.
Molecular consequence: missense variant.
Genome position (GRCh38, 1-based): chr12:14,790,467, C>A on the plus strand (G>T on the coding strand, the complement: WBP11 is on the minus strand). VCF-style: chr12-14790467-C-A. GRCh37 (hg19) VCF-style: chr12-14943401-C-A.
Other names: short protein forms G433V.
Identifiers: ClinVar variation 2574865 (VCV002574865.2), dbSNP rs2498046018, ClinGen allele CA384009665.